The following is an entry in ClinVar:

NM_052867.4(NALCN):c.1517T>A (p.Leu506His)

Gene: NALCN (sodium leak channel, non-selective; minus strand). Cytogenetic location: 13q33.1.
Variant type: single nucleotide variant.
Coding change: c.1517T>A on transcript NM_052867.4 (MANE Select); coding-DNA position 1517, T replaced by A.
Protein change: p.Leu506His; replaces leucine 506 with histidine.
Molecular consequence: missense variant.
Genome position (GRCh38, 1-based): chr13:101,229,502, A>T on the plus strand (T>A on the coding strand, the complement: NALCN is on the minus strand). VCF-style: chr13-101229502-A-T. GRCh37 (hg19) VCF-style: chr13-101881853-A-T.
Other names: c.1517T>A, p.Leu506His (NM_001350748.2, NM_001350749.2); c.1430T>A, p.Leu477His (NM_001350750.2, NM_001350751.2); short protein forms L477H, L506H.
Identifiers: ClinVar variation 1192830 (VCV001192830.2), dbSNP rs2140132909, ClinGen allele CA388704428.

ClinVar aggregate classification (germline): Likely pathogenic (1 of 4 stars; one submission).

Submission:

GeneDx
Classification: Likely pathogenic. Last evaluated: 2019-07-13. Review status: criteria provided, single submitter. Criteria: GeneDx Variant Classification Process June 2021. Collection method: clinical testing. Allele origin: germline. Affected: yes.
Comment: Not observed in large population cohorts (Lek et al., 2016); In silico analysis, which includes protein predictors and evolutionary conservation, supports a deleterious effect; Has not been previously published as pathogenic or benign to our knowledge